The following is an entry in ClinVar:

NM_001754.5(RUNX1):c.302TGC[1] (p.Leu102del)

Gene: RUNX1 (RUNX family transcription factor 1; minus strand). Cytogenetic location: 21q22.12.
Variant type: Microsatellite.
Coding change: c.302TGC[1] on transcript NM_001754.5 (MANE Select); one copy of the 3-base unit TGC starting at c.302; the reference has two copies in a row; one copy, 3 bases deleted; also written c.305_307del.
Protein change: p.Leu102del; deletes leucine 102.
Molecular consequence: inframe deletion.
Genome position (GRCh38, 1-based): chr21:34,886,887-34,886,889, GCA deleted on the plus strand (TGC on the coding strand, the reverse complement: RUNX1 is on the minus strand); deleting any 3 consecutive bases within chr21:34,886,887-34,886,892 gives the same sequence; the position shown is the placement nearest the transcript's 3' end. VCF-style (leftmost placement, unchanged base first): chr21-34886886-GGCA-G. GRCh37 (hg19) VCF-style: chr21-36259183-GGCA-G.
Other names: NM_001754.5(RUNX1):c.302TGC[1]; p.Leu102del; c.221TGC[1], p.Leu75del (NM_001001890.3, NM_001122607.2); c.305_307del (NM_001754.5); short protein forms L102del, L75del.
Identifiers: ClinVar variation 1709200 (VCV001709200.3), dbSNP rs2517482636, ClinGen allele CA645607432.

ClinVar aggregate classification (germline): Uncertain significance. Review status: reviewed by expert panel (3 of 4 stars). 2 submissions from 2 submitters: Uncertain significance (1). 1 of the submissions does not count toward it. Last evaluated 2024-07-11.

Conditions:
Hereditary thrombocytopenia and hematologic cancer predisposition syndrome. Identifiers: Orphanet 71290, MedGen CN281654, MONDO:0011071.
Hereditary thrombocytopenia and hematological cancer predisposition syndrome associated with RUNX1. Also called: PLATELET DISORDER, ASPIRIN-LIKE; RUNX1 Familial Platelet Disorder with Associated Myeloid Malignancies; Familial Platelet Disorder with Propensity to Acute Myelogenous Leukemia; Familial thrombocytopenia with propensity to acute myelogenous leukemia. Identifiers: Orphanet 71290, MedGen C1832388, MeSH C563324, MONDO:0100083, OMIM 601399.

Submissions (2):

ClinGen Myeloid Malignancy Variant Curation Expert Panel
Classification: Uncertain significance for Hereditary thrombocytopenia and hematologic cancer predisposition syndrome. Last evaluated: 2024-07-11. Review status: reviewed by expert panel. Criteria: ClinGen MyeloMalig ACMG Specifications v2. Collection method: curation. Allele origin: germline. Inheritance: Autosomal dominant inheritance.
Comment: NM_001754.5(RUNX1):c.302TGC[1] (p.Leu102del) is an in-frame deletion variant which is found within the Runt Homology Domain but does not occur at a known hotspot residue (PM4_Supporting). This variant is completely absent from all population databases with at least 20x coverage for RUNX1 (PM2_Supporting). In summary, the clinical significance of this variant is uncertain. ACMG/AMP criteria applied, as specified by the Myeloid Malignancy Variant Curation Expert Panel for RUNX1: PM2_Supporting, PM4_Supporting.

MGZ Medical Genetics Center
Classification: Uncertain significance for Hereditary thrombocytopenia and hematological cancer predisposition syndrome associated with RUNX1. Last evaluated: 2022-01-05. Review status: criteria provided, single submitter. Criteria: ACMG Guidelines, 2015. Collection method: clinical testing. Allele origin: germline. Affected: yes. Observed: 1 variant allele. Not counted in ClinVar's aggregate classification.
Comment: ACMG criteria applied: PM4, PM2_SUP